The following is an entry in ClinVar:

NM_198253.3(TERT):c.2071C>T (p.Arg691Cys)

Gene: TERT (telomerase reverse transcriptase; minus strand). Cytogenetic location: 5p15.33.
Variant type: single nucleotide variant.
Coding change: c.2071C>T on transcript NM_198253.3 (MANE Select); coding-DNA position 2071, C replaced by T.
Protein change: p.Arg691Cys; replaces arginine 691 with cysteine.
Molecular consequence: missense variant. On other transcripts: non-coding transcript variant (2).
Genome position (GRCh38, 1-based): chr5:1,279,350, G>A on the plus strand (C>T on the coding strand, the complement: TERT is on the minus strand). VCF-style: chr5-1279350-G-A. GRCh37 (hg19) VCF-style: chr5-1279465-G-A.
Other names: p.Arg691Cys; c.2071C>T, p.Arg691Cys (NM_001193376.3); short protein forms R691C.
Identifiers: ClinVar variation 642400 (VCV000642400.10), dbSNP rs866767063, ClinGen allele CA359080223.

ClinVar aggregate classification (germline): Uncertain significance. Review status: criteria provided, multiple submitters, no conflicts (2 of 4 stars). 4 submissions from 4 submitters: Uncertain significance (4). Last evaluated 2025-10-07.

Conditions:
Dyskeratosis congenita. Identifiers: Orphanet 1775, MedGen C0265965, MONDO:0015780.
Idiopathic Pulmonary Fibrosis. Also called: Idiopathic fibrosing alveolitis, chronic form; idiopathic fibrosing alveolitis. Identifiers: Orphanet 2032, MedGen C1800706, MeSH D054990, MONDO:0800504.
Dyskeratosis congenita, autosomal dominant 2. Identifiers: MedGen C3151443, MONDO:0013521, OMIM 613989.

Allele frequency attached by ClinVar (database versions not stated): gnomAD exomes below 0.00001; TOPMed below 0.00001.
gnomAD v4.1: 4 of 1,580,182 alleles (0.00025%); highest among the groups gnomAD compares: Non-Finnish European, 0.00034%; no homozygotes.

Submissions (4):

Labcorp Genetics (formerly Invitae), Labcorp
Classification: Uncertain significance for Dyskeratosis congenita, autosomal dominant 2; Idiopathic Pulmonary Fibrosis. Last evaluated: 2025-10-07. Review status: criteria provided, single submitter. Criteria: Invitae Variant Classification Sherloc (09022015). Collection method: clinical testing. Allele origin: germline.
Comment: This sequence change replaces arginine, which is basic and polar, with cysteine, which is neutral and slightly polar, at codon 691 of the TERT protein (p.Arg691Cys). The frequency data for this variant in the population databases is considered unreliable, as metrics indicate poor data quality at this position in the gnomAD database. This missense change has been observed in individual(s) with TERT-related conditions (PMID: 37665761). ClinVar contains an entry for this variant (Variation ID: 642400). Invitae Evidence Modeling of protein sequence and biophysical properties (such as structural, functional, and spatial information, amino acid conservation, physicochemical variation, residue mobility, and thermodynamic stability) indicates that this missense variant is expected to disrupt TERT protein function with a positive predictive value of 95%. In summary, the available evidence is currently insufficient to determine the role of this variant in disease. Therefore, it has been classified as a Variant of Uncertain Significance.

Ambry Genetics
Classification: Uncertain significance for Dyskeratosis congenita. Last evaluated: 2025-07-11. Review status: criteria provided, single submitter. Criteria: Ambry Variant Classification Scheme 2023. Collection method: clinical testing. Allele origin: germline.
Comment: The p.R691C variant (also known as c.2071C>T), located in coding exon 5 of the TERT gene, results from a C to T substitution at nucleotide position 2071. The arginine at codon 691 is replaced by cysteine, an amino acid with highly dissimilar properties. This variant was reported in individual(s) with idiopathic pulmonary fibrosis (IPF) (Fang C et al. Respirology, 2020 Dec;25:1265-1273). This amino acid position is well conserved in available vertebrate species. In addition, this alteration is predicted to be deleterious by in silico analysis. Based on the available evidence, the clinical significance of this variant remains unclear.

Mayo Clinic Laboratories, Mayo Clinic
Classification: Uncertain significance. Last evaluated: 2022-03-22. Review status: criteria provided, single submitter. Criteria: ACMG Guidelines, 2015. Collection method: clinical testing. Allele origin: germline. Observed: 1 variant allele.
Comment: PP2, PP3

Breakthrough Genomics
Classification: Uncertain significance. Review status: criteria provided, single submitter. Criteria: ACMG Guidelines, 2015. Collection method: not provided. Allele origin: germline. Inheritance: Autosomal recessive inheritance. Affected: yes.

Literature cited by the submitters: PubMed 37665761 (cited by Labcorp Genetics (formerly Invitae), Labcorp); PubMed 32583532 (cited by Ambry Genetics).